The following is an entry in ClinVar:

NM_001365536.1(SCN9A):c.258G>A (p.Lys86=)

Gene: SCN9A (sodium voltage-gated channel alpha subunit 9; minus strand). Cytogenetic location: 2q24.3.
Variant type: single nucleotide variant.
Coding change: c.258G>A on transcript NM_001365536.1 (MANE Select); coding-DNA position 258, G replaced by A.
Protein change: p.Lys86=; no amino-acid change (lysine 86 retained).
Molecular consequence: synonymous variant.
Genome position (GRCh38, 1-based): chr2:166,311,499, C>T on the plus strand (G>A on the coding strand, the complement: SCN9A is on the minus strand). VCF-style: chr2-166311499-C-T. GRCh37 (hg19) VCF-style: chr2-167168009-C-T.
Other names: c.258G>A, p.Lys86= (NM_002977.4).
Identifiers: ClinVar variation 581824 (VCV000581824.8), dbSNP rs199940586, ClinGen allele CA1944859.

ClinVar aggregate classification (germline): Uncertain significance (1 of 4 stars; one submission).

Conditions:
Generalized epilepsy with febrile seizures plus, type 7 (GEFSP7). Also called: GEFS+, TYPE 7. Identifiers: Orphanet 36387, MedGen C2751778, MONDO:0013470, OMIM 613863.
Neuropathy, hereditary sensory and autonomic, type 2A (HSAN2A). Also called: HSAN IIA; MORVAN DISEASE; NEUROPATHY, CONGENITAL SENSORY; NEUROPATHY, HEREDITARY SENSORY RADICULAR, AUTOSOMAL RECESSIVE; NEUROPATHY, HEREDITARY SENSORY, TYPE IIA; NEUROPATHY, PROGRESSIVE SENSORY, OF CHILDREN. Identifiers: Orphanet 970, MedGen C2752089, MONDO:0024309, OMIM 201300.

Allele frequency attached by ClinVar (database versions not stated): gnomAD exomes below 0.00001 and 0.00001; ExAC 0.00001; gnomAD 0.00001; TOPMed 0.00002.
gnomAD v4.1: 8 of 1,544,058 alleles (0.00052%); highest among the groups gnomAD compares: Non-Finnish European, 0.0007%; no homozygotes.

Submission:

Labcorp Genetics (formerly Invitae), Labcorp
Classification: Uncertain significance for Neuropathy, hereditary sensory and autonomic, type 2A; Generalized epilepsy with febrile seizures plus, type 7. Last evaluated: 2025-07-23. Review status: criteria provided, single submitter. Criteria: Invitae Variant Classification Sherloc (09022015). Collection method: clinical testing. Allele origin: germline.
Comment: This sequence change affects codon 86 of the SCN9A mRNA. It is a 'silent' change, meaning that it does not change the encoded amino acid sequence of the SCN9A protein. This variant also falls at the last nucleotide of exon 2, which is part of the consensus splice site for this exon. This variant is present in population databases (rs199940586, gnomAD 0.002%). This variant has not been reported in the literature in individuals affected with SCN9A-related conditions. ClinVar contains an entry for this variant (Variation ID: 581824). Variants that disrupt the consensus splice site are a relatively common cause of aberrant splicing (PMID: 17576681, 9536098). Algorithms developed to predict the effect of sequence changes on RNA splicing suggest that this variant is not likely to affect RNA splicing. In summary, the available evidence is currently insufficient to determine the role of this variant in disease. Therefore, it has been classified as a Variant of Uncertain Significance.

Literature cited by the submitters: PubMed 17576681; PubMed 9536098.